The following is an entry in ClinVar:

NM_000540.3(RYR1):c.3116_3117delinsCT (p.Cys1039Ser)

Gene: RYR1 (ryanodine receptor 1; plus strand). Cytogenetic location: 19q13.2.
Variant type: Indel.
Coding change: c.3116_3117delinsCT on transcript NM_000540.3 (MANE Select); coding-DNA positions 3116 to 3117, GC replaced by CT.
Protein change: p.Cys1039Ser; replaces cysteine 1039 with serine.
Molecular consequence: missense variant.
Genome position (GRCh38, 1-based): chr19:38,466,336-38,466,337, GC replaced by CT. VCF-style: chr19-38466336-GC-CT. GRCh37 (hg19) VCF-style: chr19-38956976-GC-CT.
Other names: c.3116_3117delGCinsCT, p.Cys1039Ser (NM_000540.2); c.3116_3117delinsCT, p.Cys1039Ser (NM_001042723.2); short protein forms C1039S.
Identifiers: ClinVar variation 4681156 (VCV004681156.1).

ClinVar aggregate classification (germline): Uncertain significance (1 of 4 stars; one submission).

Submission:

GeneDx
Classification: Uncertain significance. Last evaluated: 2025-07-03. Review status: criteria provided, single submitter. Criteria: GeneDx Variant Classification Process June 2021. Collection method: clinical testing. Allele origin: germline. Affected: yes.
Comment: Not observed at significant frequency in large population cohorts (gnomAD); In silico analysis supports a deleterious effect on protein structure/function; Has not been previously published as pathogenic or benign to our knowledge